The following is an entry in ClinVar:

NM_013382.7(POMT2):c.2057G>A (p.Arg686Gln)

Gene: POMT2 (protein O-mannosyltransferase 2; minus strand). Cytogenetic location: 14q24.3.
Variant type: single nucleotide variant.
Coding change: c.2057G>A on transcript NM_013382.7 (MANE Select); coding-DNA position 2057, G replaced by A.
Protein change: p.Arg686Gln; replaces arginine 686 with glutamine.
Molecular consequence: missense variant.
Genome position (GRCh38, 1-based): chr14:77,278,484, C>T on the plus strand (G>A on the coding strand, the complement: POMT2 is on the minus strand). VCF-style: chr14-77278484-C-T. GRCh37 (hg19) VCF-style: chr14-77744827-C-T.
Other names: short protein forms R686Q.
Identifiers: ClinVar variation 282243 (VCV000282243.60), dbSNP rs200163818, ClinGen allele CA7285556.

ClinVar aggregate classification (germline): Conflicting classifications of pathogenicity. Review status: criteria provided, conflicting classifications (1 of 4 stars). 5 submissions from 5 submitters: Uncertain significance (1); Benign (1); Likely benign (2). 1 of the submissions does not count toward it. Last evaluated 2026-01-27.

Conditions:
Muscular dystrophy-dystroglycanopathy (congenital with brain and eye anomalies), type A2. Also called: WALKER-WARBURG SYNDROME OR MUSCLE-EYE-BRAIN DISEASE, POMT2-RELATED; MUSCULAR DYSTROPHY-DYSTROGLYCANOPATHY (CONGENITAL WITH BRAIN AND EYE ANOMALIES), TYPE A, 2. Identifiers: Orphanet 588, Orphanet 899, MedGen C3150411, MONDO:0013154, OMIM 613150.
Muscular dystrophy-dystroglycanopathy (congenital with impaired intellectual development), type B, 2. Also called: Muscular dystrophy-dystroglycanopathy (congenital with intellectual disability), type B2; MUSCULAR DYSTROPHY, CONGENITAL, POMT2-RELATED. Identifiers: MedGen C3150416, MONDO:0013160, OMIM 613156.
Autosomal recessive limb-girdle muscular dystrophy type 2N. Also called: MUSCULAR DYSTROPHY-DYSTROGLYCANOPATHY, LIMB-GIRDLE, POMT2-RELATED; Muscular dystrophy-dystroglycanopathy (limb-girdle), type C, 2. Identifiers: Orphanet 206559, MedGen C3150418, MONDO:0013162, OMIM 613158.
POMT2-related disorder. Also called: POMT2-related condition.

Allele frequency attached by ClinVar (database versions not stated): 1000 Genomes Project 0.00120; ExAC 0.00122; TOPMed 0.00005; gnomAD 0.00013 and 0.00005; gnomAD exomes 0.00049; 1000 Genomes Project 30x 0.00109.
gnomAD v4.1: 317 of 1,493,290 alleles (0.021%); highest among the groups gnomAD compares: South Asian, 0.27%; 2 homozygotes.

Submissions (5):

Labcorp Genetics (formerly Invitae), Labcorp
Classification: Benign for Muscular dystrophy-dystroglycanopathy (congenital with impaired intellectual development), type B, 2; Muscular dystrophy-dystroglycanopathy (congenital with brain and eye anomalies), type A2; Autosomal recessive limb-girdle muscular dystrophy type 2N. Last evaluated: 2026-01-27. Review status: criteria provided, single submitter. Criteria: Invitae Variant Classification Sherloc (09022015). Collection method: clinical testing. Allele origin: germline.

GeneDx
Classification: Likely benign. Last evaluated: 2020-08-01. Review status: criteria provided, single submitter. Criteria: GeneDx Variant Classification Process June 2021. Collection method: clinical testing. Allele origin: germline. Affected: yes.

CeGaT Center for Human Genetics Tuebingen
Classification: Uncertain significance. Last evaluated: 2016-12-01. Review status: criteria provided, single submitter. Criteria: CeGaT Center For Human Genetics Tuebingen Variant Classification Criteria Version 2. Collection method: clinical testing. Allele origin: germline. Affected: yes. Observed: 2 variant alleles.

Eurofins Ntd Llc (ga)
Classification: Likely benign. Last evaluated: 2016-08-04. Review status: criteria provided, single submitter. Criteria: EGL Classification Definitions 2015. Collection method: clinical testing. Allele origin: germline. Observed: 2 variant alleles, 2 heterozygotes.

PreventionGenetics, part of Exact Sciences
Classification: Likely benign for POMT2-related condition. Last evaluated: 2024-01-30. Review status: no assertion criteria provided. Collection method: clinical testing. Allele origin: germline. Not counted in ClinVar's aggregate classification.
Comment: This variant is classified as likely benign based on ACMG/AMP sequence variant interpretation guidelines (Richards et al. 2015 PMID: 25741868, with internal and published modifications).